The following is an entry in ClinVar:

NM_001267550.2(TTN):c.78282C>G (p.Thr26094=)

Genes: TTN (titin; minus strand), TTN-AS1 (TTN antisense RNA 1; plus strand). Cytogenetic location: 2q31.2.
Variant type: single nucleotide variant.
Coding change: c.78282C>G on transcript NM_001267550.2 (MANE Select); coding-DNA position 78282, C replaced by G.
Protein change: p.Thr26094=; no amino-acid change (threonine 26094 retained).
Molecular consequence: synonymous variant.
Genome position (GRCh38, 1-based): chr2:178,567,850, G>C on the plus strand (C>G on the coding strand, the complement: TTN is on the minus strand). VCF-style: chr2-178567850-G-C. GRCh37 (hg19) VCF-style: chr2-179432577-G-C.
Other names: c.73359C>G, p.Thr24453= (NM_001256850.1); c.51087C>G, p.Thr17029= (NM_003319.4); c.70578C>G, p.Thr23526= (NM_133378.4); c.51462C>G, p.Thr17154= (NM_133432.3); c.51663C>G, p.Thr17221= (NM_133437.4).
Identifiers: ClinVar variation 721886 (VCV000721886.15), dbSNP rs778237170, ClinGen allele CA1989632.

ClinVar aggregate classification (germline): Likely benign. Review status: criteria provided, multiple submitters, no conflicts (2 of 4 stars). 4 submissions from 4 submitters: Likely benign (4). Last evaluated 2026-01-01.

Conditions:
Dilated cardiomyopathy 1G (CMD1G). Identifiers: Orphanet 154, MedGen C1858763, MONDO:0011400, OMIM 604145.
Autosomal recessive limb-girdle muscular dystrophy type 2J (LGMDR10). Also called: Limb-girdle muscular dystrophy, type 2J; MUSCULAR DYSTROPHY, LIMB-GIRDLE, AUTOSOMAL RECESSIVE 10. Identifiers: Orphanet 140922, MedGen C1837342, MONDO:0012127, OMIM 608807.
Cardiovascular phenotype. Identifiers: MedGen CN230736.

Allele frequency attached by ClinVar (database versions not stated): gnomAD exomes 0.00001; gnomAD 0.00003 and 0.00004; TOPMed 0.00003; ExAC 0.00001.
gnomAD v4.1: 32 of 1,613,290 alleles (0.002%); highest among the groups gnomAD compares: Non-Finnish European, 0.0015%; no homozygotes.

Submissions (4):

CeGaT Center for Human Genetics Tuebingen
Classification: Likely benign. Last evaluated: 2026-01-01. Review status: criteria provided, single submitter. Criteria: CeGaT Center For Human Genetics Tuebingen Variant Classification Criteria Version 2. Collection method: clinical testing. Allele origin: germline. Affected: yes. Observed: 1 variant allele.
Comment: TTN: BP4, BP7

Labcorp Genetics (formerly Invitae), Labcorp
Classification: Likely benign for Dilated cardiomyopathy 1G; Autosomal recessive limb-girdle muscular dystrophy type 2J. Last evaluated: 2025-10-24. Review status: criteria provided, single submitter. Criteria: Invitae Variant Classification Sherloc (09022015). Collection method: clinical testing. Allele origin: germline.

Blueprint Genetics
Classification: Likely benign. Last evaluated: 2024-04-16. Review status: criteria provided, single submitter. Criteria: ACMG Guidelines, 2015. Collection method: clinical testing. Allele origin: germline.

Ambry Genetics
Classification: Likely benign for Cardiovascular phenotype. Last evaluated: 2024-01-16. Review status: criteria provided, single submitter. Criteria: Ambry Variant Classification Scheme 2023. Collection method: clinical testing. Allele origin: germline.